The following is an entry in ClinVar:

ClinVar aggregate classification (germline): Conflicting classifications of pathogenicity. Review status: criteria provided, conflicting classifications (1 of 4 stars). 2 submissions from 1 submitter: Uncertain significance (1); Benign (1). Last evaluated 2018-01-12.

Conditions:
Primary open angle glaucoma (POAG). Also called: OPTN-related open angle glaucoma. Identifiers: MedGen C0339573, MONDO:0100553, OMIM 137760.
Amyotrophic lateral sclerosis type 12 (ALS12). Also called: AMYOTROPHIC LATERAL SCLEROSIS 12 WITH OR WITHOUT FRONTOTEMPORAL DEMENTIA. Identifiers: Orphanet 803, MedGen C3150692, MONDO:0013264, OMIM 613435.

Allele frequency attached by ClinVar (database versions not stated): gnomAD 0.00004 and 0.00008; TOPMed 0.00008; gnomAD exomes 0.00017; 1000 Genomes Project 0.00080; 1000 Genomes Project 30x 0.00094.

Submissions (2):

Illumina Laboratory Services, Illumina
Classification: Benign for Primary open angle glaucoma. Last evaluated: 2018-01-12. Review status: criteria provided, single submitter. Criteria: ICSL Variant Classification Criteria 13 December 2019. Collection method: clinical testing. Allele origin: germline.
Comment: This variant was observed in the ICSL laboratory as part of a predisposition screen in an ostensibly healthy population. It had not been previously curated by ICSL or reported in the Human Gene Mutation Database (HGMD: prior to June 1st, 2018), and was therefore a candidate for classification through an automated scoring system. Utilizing variant allele frequency, disease prevalence and penetrance estimates, and inheritance mode, an automated score was calculated to assess if this variant is too frequent to cause the disease. Based on the score and internal cut-off values, a variant classified as benign is not then subjected to further curation. The score for this variant resulted in a classification of benign for this disease.

Illumina Laboratory Services, Illumina
Classification: Uncertain significance for Amyotrophic lateral sclerosis type 12. Last evaluated: 2018-01-12. Review status: criteria provided, single submitter. Criteria: ICSL Variant Classification Criteria 13 December 2019. Collection method: clinical testing. Allele origin: germline.

NM_001008212.2(OPTN):c.*1251C>G

Gene: OPTN (optineurin; plus strand). Cytogenetic location: 10p13.
Variant type: single nucleotide variant.
Coding change: c.*1251C>G on transcript NM_001008212.2 (MANE Select); 1251 bases downstream of the stop codon, C replaced by G.
Molecular consequence: 3 prime UTR variant.
Genome position (GRCh38, 1-based): chr10:13,138,117, C>G. VCF-style: chr10-13138117-C-G. GRCh37 (hg19) VCF-style: chr10-13180117-C-G.
Other names: c.*1251C>G (NM_001008211.1, NM_001008213.1, NM_021980.4).
Identifiers: ClinVar variation 299236 (VCV000299236.5), dbSNP rs542617940, ClinGen allele CA10634931.